The following is an entry in ClinVar:

NM_001290043.2(TAP2):c.1292G>C (p.Gly431Ala)

Gene: TAP2 (transporter 2, ATP binding cassette subfamily B member; minus strand). Cytogenetic location: 6p21.32.
Variant type: single nucleotide variant.
Coding change: c.1292G>C on transcript NM_001290043.2 (MANE Select); coding-DNA position 1292, G replaced by C.
Protein change: p.Gly431Ala; replaces glycine 431 with alanine.
Molecular consequence: missense variant.
Genome position (GRCh38, 1-based): chr6:32,830,787, C>G on the plus strand (G>C on the coding strand, the complement: TAP2 is on the minus strand). VCF-style: chr6-32830787-C-G. GRCh37 (hg19) VCF-style: chr6-32798564-C-G.
Other names: c.1292G>C, p.Gly431Ala (NM_000544.3, NM_018833.3); short protein forms G431A.
Identifiers: ClinVar variation 2154550 (VCV002154550.3), dbSNP rs760924428, ClinGen allele CA3745939.

ClinVar aggregate classification (germline): Uncertain significance. Review status: criteria provided, multiple submitters, no conflicts (2 of 4 stars). 2 submissions from 2 submitters: Uncertain significance (2). Last evaluated 2024-09-30.

Conditions:
MHC class I deficiency. Identifiers: Orphanet 34592, MedGen C6024714, MONDO:0011476.
Inborn genetic diseases. Identifiers: MedGen C0950123, MeSH D030342.

Allele frequency attached by ClinVar (database versions not stated): TOPMed below 0.00001; gnomAD exomes 0.00001; ExAC 0.00002.
gnomAD v4.1: 5 of 1,611,850 alleles (0.00031%); highest among the groups gnomAD compares: Admixed American, 0.0084%; no homozygotes.

Submissions (2):

Ambry Genetics
Classification: Uncertain significance for Inborn genetic diseases. Last evaluated: 2024-09-30. Review status: criteria provided, single submitter. Criteria: Ambry Variant Classification Scheme 2023. Collection method: clinical testing. Allele origin: germline.

Labcorp Genetics (formerly Invitae), Labcorp
Classification: Uncertain significance for MHC class I deficiency 1. Last evaluated: 2022-06-24. Review status: criteria provided, single submitter. Criteria: Invitae Variant Classification Sherloc (09022015). Collection method: clinical testing. Allele origin: germline.
Comment: This sequence change replaces glycine, which is neutral and non-polar, with alanine, which is neutral and non-polar, at codon 431 of the TAP2 protein (p.Gly431Ala). This variant is present in population databases (rs760924428, gnomAD 0.01%). In summary, the available evidence is currently insufficient to determine the role of this variant in disease. Therefore, it has been classified as a Variant of Uncertain Significance. Algorithms developed to predict the effect of missense changes on protein structure and function are either unavailable or do not agree on the potential impact of this missense change (SIFT: "Deleterious"; PolyPhen-2: "Not Available"; Align-GVGD: "Class C0"). This variant has not been reported in the literature in individuals affected with TAP2-related conditions.